The following is an entry in ClinVar:

NM_000557.5(GDF5):c.1132C>G (p.Arg378Gly)

Genes: GDF5 (growth differentiation factor 5; minus strand), GDF5-AS1 (GDF5 antisense RNA 1; plus strand). Cytogenetic location: 20q11.22.
Variant type: single nucleotide variant.
Coding change: c.1132C>G on transcript NM_000557.5 (MANE Select); coding-DNA position 1132, C replaced by G.
Protein change: p.Arg378Gly; replaces arginine 378 with glycine.
Molecular consequence: missense variant. On other transcripts: non-coding transcript variant (1).
Genome position (GRCh38, 1-based): chr20:35,434,283, G>C on the plus strand (C>G on the coding strand, the complement: GDF5 is on the minus strand). VCF-style: chr20-35434283-G-C. GRCh37 (hg19) VCF-style: chr20-34022081-G-C.
Other names: c.1132C>G, p.Arg378Gly (NM_001319138.2); short protein forms R378G.
Identifiers: ClinVar variation 3665523 (VCV003665523.2).

ClinVar aggregate classification (germline): Uncertain significance (1 of 4 stars; one submission).

Submission:

Labcorp Genetics (formerly Invitae), Labcorp
Classification: Uncertain significance. Last evaluated: 2024-11-06. Review status: criteria provided, single submitter. Criteria: Invitae Variant Classification Sherloc (09022015). Collection method: clinical testing. Allele origin: germline.
Comment: This sequence change replaces arginine, which is basic and polar, with glycine, which is neutral and non-polar, at codon 378 of the GDF5 protein (p.Arg378Gly). This variant is not present in population databases (gnomAD no frequency). This variant has not been reported in the literature in individuals affected with GDF5-related conditions. Invitae Evidence Modeling of protein sequence and biophysical properties (such as structural, functional, and spatial information, amino acid conservation, physicochemical variation, residue mobility, and thermodynamic stability) has been performed for this missense variant. However, the output from this modeling did not meet the statistical confidence thresholds required to predict the impact of this variant on GDF5 protein function. In summary, the available evidence is currently insufficient to determine the role of this variant in disease. Therefore, it has been classified as a Variant of Uncertain Significance.